The following is an entry in ClinVar:

NM_033100.4(CDHR1):c.1744A>T (p.Lys582Ter)

Gene: CDHR1 (cadherin related family member 1; plus strand). Cytogenetic location: 10q23.1.
Variant type: single nucleotide variant.
Coding change: c.1744A>T on transcript NM_033100.4 (MANE Select); coding-DNA position 1744, A replaced by T.
Protein change: p.Lys582Ter; replaces lysine 582 with a stop codon.
Molecular consequence: nonsense.
Genome position (GRCh38, 1-based): chr10:84,212,369, A>T. VCF-style: chr10-84212369-A-T. GRCh37 (hg19) VCF-style: chr10-85972125-A-T.
Other names: c.1744A>T, p.Lys582Ter (NM_001171971.3); short protein forms K582*.
Identifiers: ClinVar variation 1324034 (VCV001324034.9), dbSNP rs142980820, ClinGen allele CA5580032.

ClinVar aggregate classification (germline): Pathogenic/Likely pathogenic. Review status: criteria provided, multiple submitters, no conflicts (2 of 4 stars). 3 submissions from 3 submitters: Pathogenic (1); Likely pathogenic (2). Last evaluated 2025-12-15.

Conditions:
Cone-rod dystrophy. Also called: Cone/cone-rod dystrophy; Cone-rod degeneration. Identifiers: Orphanet 1872, MedGen C4085590, MONDO:0015993, HP:0000548.
CDHR1-related disorders.

Allele frequency attached by ClinVar (database versions not stated): gnomAD 0.00001; gnomAD exomes 0.00001; ExAC 0.00002; TOPMed 0.00005; ESP Exome Variant Server 0.00008.
gnomAD v4.1: 1 of 1,614,070 alleles (0.000062%); highest among the groups gnomAD compares: African/African-American, 0.0013%; no homozygotes.

Submissions (3):

Labcorp Genetics (formerly Invitae), Labcorp
Classification: Pathogenic. Last evaluated: 2025-12-15. Review status: criteria provided, single submitter. Criteria: Invitae Variant Classification Sherloc (09022015). Collection method: clinical testing. Allele origin: germline.
Comment: This sequence change creates a premature translational stop signal (p.Lys582*) in the CDHR1 gene. It is expected to result in an absent or disrupted protein product. Loss-of-function variants in CDHR1 are known to be pathogenic (PMID: 23044944, 23591405, 26103963, 26261414). This variant is present in population databases (rs142980820, gnomAD 0.007%). This variant has not been reported in the literature in individuals affected with CDHR1-related conditions. ClinVar contains an entry for this variant (Variation ID: 1324034). Algorithms developed to predict the effect of sequence changes on RNA splicing suggest that this variant may disrupt the consensus splice site. For these reasons, this variant has been classified as Pathogenic.

Laboratory for Molecular Medicine, Mass General Brigham Personalized Medicine
Classification: Likely pathogenic for Cone-rod dystrophy. Last evaluated: 2024-01-28. Review status: criteria provided, single submitter. Criteria: ACMG Guidelines, 2015. Collection method: clinical testing. Allele origin: germline. Inheritance: Autosomal recessive inheritance.
Comment: The p.Lys582X variant in CDHR1 has not been reported in the literature in individuals with CDHR1-associated disorders but has been reported by other clinical laboratories in ClinVar (Variation ID 1324034). It has also been identified in 0.002% (1/41450) of African/African American chromosomes by gnomAD (v3.1.2). This is consistent with the prevalence of the disease in the general population. This nonsense variant leads to a premature termination codon at position 582, which is predicted to lead to a truncated or absent protein. Biallelic loss of function of the CDHR1 gene is an established disease mechanism in autosomal recessive cone-rod dystrophy. In summary, although additional studies are required to fully establish its clinical significance, this variant meets criteria to be classified as likely pathogenic for autosomal recessive cone-rod dystrophy. ACMG/AMP Criteria applied: PVS1, PM2_Supporting.

Blueprint Genetics
Classification: Likely pathogenic for CDHR1-related disorders. Last evaluated: 2021-12-16. Review status: criteria provided, single submitter. Criteria: ACMG Guidelines, 2015. Collection method: clinical testing. Allele origin: germline. Affected: yes. Observed: 3 variant alleles.

Literature cited by the submitters: PubMed 23044944 (cited by Labcorp Genetics (formerly Invitae), Labcorp); PubMed 23591405 (cited by Labcorp Genetics (formerly Invitae), Labcorp); PubMed 26103963 (cited by Labcorp Genetics (formerly Invitae), Labcorp); PubMed 26261414 (cited by Labcorp Genetics (formerly Invitae), Labcorp).